The following is an entry in ClinVar:

ClinVar aggregate classification (germline): Uncertain significance (1 of 4 stars; one submission).

Submission:

Women's Health and Genetics/Laboratory Corporation of America, LabCorp
Classification: Uncertain significance. Last evaluated: 2023-02-28. Review status: criteria provided, single submitter. Criteria: LabCorp Variant Classification Summary - May 2015. Collection method: clinical testing. Allele origin: germline.
Comment: Variant summary: SCNN1B c.1859A>G (p.Tyr620Cys) results in a non-conservative amino acid change in the encoded protein sequence. Four of five in-silico tools predict a damaging effect of the variant on protein function. The variant was absent in 246328 control chromosomes (gnomAD). The available data on variant occurrences in the general population are insufficient to allow any conclusion about variant significance. To our knowledge, no occurrence of c.1859A>G in individuals affected with SCNN1B-Related Disorders and no experimental evidence demonstrating its impact on protein function have been reported. No clinical diagnostic laboratories have submitted clinical-significance assessments for this variant to ClinVar after 2014. Based on the evidence outlined above, the variant was classified as uncertain significance.

NM_000336.3(SCNN1B):c.1859A>G (p.Tyr620Cys)

Gene: SCNN1B (sodium channel epithelial 1 subunit beta; plus strand). Cytogenetic location: 16p12.2.
Variant type: single nucleotide variant.
Coding change: c.1859A>G on transcript NM_000336.3 (MANE Select); coding-DNA position 1859, A replaced by G.
Protein change: p.Tyr620Cys; replaces tyrosine 620 with cysteine.
Molecular consequence: missense variant.
Genome position (GRCh38, 1-based): chr16:23,380,737, A>G. VCF-style: chr16-23380737-A-G. GRCh37 (hg19) VCF-style: chr16-23392058-A-G.
Other names: c.1751A>G, p.Tyr584Cys (NM_001410900.1); c.1859A>G (NM_000336.2); short protein forms Y584C, Y620C.
Identifiers: ClinVar variation 2445694 (VCV002445694.1), dbSNP rs2506514953, ClinGen allele CA395114047.